The following is an entry in ClinVar:

NM_016366.3(CABP2):c.197T>C (p.Ile66Thr)

Gene: CABP2 (calcium binding protein 2; minus strand). Cytogenetic location: 11q13.2.
Variant type: single nucleotide variant.
Coding change: c.197T>C on transcript NM_016366.3 (MANE Select); coding-DNA position 197, T replaced by C.
Protein change: p.Ile66Thr; replaces isoleucine 66 with threonine.
Molecular consequence: missense variant. On other transcripts: synonymous variant (1).
Genome position (GRCh38, 1-based): chr11:67,522,562, A>G on the plus strand (T>C on the coding strand, the complement: CABP2 is on the minus strand). VCF-style: chr11-67522562-A-G. GRCh37 (hg19) VCF-style: chr11-67290033-A-G.
Other names: c.211T>C, p.Leu71= (NM_001318496.2); short protein forms I66T.
Identifiers: ClinVar variation 1514877 (VCV001514877.6), dbSNP rs770129980, ClinGen allele CA6142574.

ClinVar aggregate classification (germline): Uncertain significance (1 of 4 stars; one submission).

Allele frequency attached by ClinVar (database versions not stated): gnomAD 0.00001; TOPMed 0.00001; ExAC 0.00005.

Submission:

Labcorp Genetics (formerly Invitae), Labcorp
Classification: Uncertain significance. Last evaluated: 2022-10-18. Review status: criteria provided, single submitter. Criteria: Invitae Variant Classification Sherloc (09022015). Collection method: clinical testing. Allele origin: germline.
Comment: This variant has not been reported in the literature in individuals affected with CABP2-related conditions. This sequence change replaces isoleucine, which is neutral and non-polar, with threonine, which is neutral and polar, at codon 66 of the CABP2 protein (p.Ile66Thr). This variant is present in population databases (rs770129980, gnomAD 0.02%). ClinVar contains an entry for this variant (Variation ID: 1514877). Algorithms developed to predict the effect of missense changes on protein structure and function (SIFT, PolyPhen-2, Align-GVGD) all suggest that this variant is likely to be tolerated. In summary, the available evidence is currently insufficient to determine the role of this variant in disease. Therefore, it has been classified as a Variant of Uncertain Significance.